The following is an entry in ClinVar:

NM_000179.3(MSH6):c.675T>G (p.Ile225Met)

Gene: MSH6 (mutS homolog 6; plus strand). Cytogenetic location: 2p16.3.
Variant type: single nucleotide variant.
Coding change: c.675T>G on transcript NM_000179.3 (MANE Select); coding-DNA position 675, T replaced by G.
Protein change: p.Ile225Met; replaces isoleucine 225 with methionine.
Molecular consequence: missense variant. On other transcripts: 5 prime UTR variant (2).
Genome position (GRCh38, 1-based): chr2:47,798,658, T>G. VCF-style: chr2-47798658-T-G. GRCh37 (hg19) VCF-style: chr2-48025797-T-G.
Other names: c.285T>G, p.Ile95Met (NM_001281492.2); c.-232T>G (NM_001281493.2, NM_001281494.2); short protein forms I225M, I95M.
Identifiers: ClinVar variation 233452 (VCV000233452.16), dbSNP rs572317219, ClinGen allele CA10578042.

ClinVar aggregate classification (germline): Uncertain significance. Review status: criteria provided, multiple submitters, no conflicts (2 of 4 stars). 3 submissions from 3 submitters: Uncertain significance (3). Last evaluated 2024-10-23.

Conditions:
Hereditary cancer-predisposing syndrome. Also called: Neoplastic Syndromes, Hereditary; Tumor predisposition; Hereditary Cancer Syndrome; Hereditary neoplastic syndrome. Identifiers: Orphanet 140162, MedGen C0027672, MeSH D009386, MONDO:0015356.
Hereditary nonpolyposis colorectal neoplasms. Identifiers: MedGen C0009405, MeSH D003123.

gnomAD v4.1: 1 of 1,613,284 alleles (0.000062%); no homozygotes.

Submissions (3):

Ambry Genetics
Classification: Uncertain significance for Hereditary cancer-predisposing syndrome. Last evaluated: 2024-10-23. Review status: criteria provided, single submitter. Criteria: Ambry Variant Classification Scheme 2023. Collection method: clinical testing. Allele origin: germline.
Comment: The p.I225M variant (also known as c.675T>G), located in coding exon 4 of the MSH6 gene, results from a T to G substitution at nucleotide position 675. The isoleucine at codon 225 is replaced by methionine, an amino acid with highly similar properties. This amino acid position is poorly conserved in available vertebrate species. In addition, this alteration is predicted to be tolerated by in silico analysis. Based on the available evidence, the clinical significance of this variant remains unclear.

Labcorp Genetics (formerly Invitae), Labcorp
Classification: Uncertain significance for Hereditary nonpolyposis colorectal neoplasms. Last evaluated: 2024-01-12. Review status: criteria provided, single submitter. Criteria: Invitae Variant Classification Sherloc (09022015). Collection method: clinical testing. Allele origin: germline.
Comment: This sequence change replaces isoleucine, which is neutral and non-polar, with methionine, which is neutral and non-polar, at codon 225 of the MSH6 protein (p.Ile225Met). This variant is not present in population databases (gnomAD no frequency). This variant has not been reported in the literature in individuals affected with MSH6-related conditions. ClinVar contains an entry for this variant (Variation ID: 233452). Advanced modeling of protein sequence and biophysical properties (such as structural, functional, and spatial information, amino acid conservation, physicochemical variation, residue mobility, and thermodynamic stability) performed at Invitae indicates that this missense variant is not expected to disrupt MSH6 protein function with a negative predictive value of 95%. In summary, the available evidence is currently insufficient to determine the role of this variant in disease. Therefore, it has been classified as a Variant of Uncertain Significance.

Color Diagnostics, LLC DBA Color Health
Classification: Uncertain significance for Hereditary cancer-predisposing syndrome. Last evaluated: 2023-09-12. Review status: criteria provided, single submitter. Criteria: ACMG Guidelines, 2015. Collection method: clinical testing. Allele origin: germline.
Comment: This missense variant replaces isoleucine with methionine at codon 225 of the MSH6 protein. Computational prediction suggests that this variant may not impact protein structure and function (internally defined REVEL score threshold <= 0.5, PMID: 27666373). To our knowledge, functional studies have not been reported for this variant. This variant has not been reported in individuals affected with MSH6-related disorders in the literature. This variant has not been identified in the general population by the Genome Aggregation Database (gnomAD). The available evidence is insufficient to determine the role of this variant in disease conclusively. Therefore, this variant is classified as a Variant of Uncertain Significance.